The following is an entry in ClinVar:

NM_003803.4(MYOM1):c.2818A>G (p.Ile940Val)

Gene: MYOM1 (myomesin 1; minus strand). Cytogenetic location: 18p11.31.
Variant type: single nucleotide variant.
Coding change: c.2818A>G on transcript NM_003803.4 (MANE Select); coding-DNA position 2818, A replaced by G.
Protein change: p.Ile940Val; replaces isoleucine 940 with valine.
Molecular consequence: missense variant.
Genome position (GRCh38, 1-based): chr18:3,126,874, T>C on the plus strand (A>G on the coding strand, the complement: MYOM1 is on the minus strand). VCF-style: chr18-3126874-T-C. GRCh37 (hg19) VCF-style: chr18-3126872-T-C.
Other names: c.2530A>G, p.Ile844Val (NM_019856.2); short protein forms I844V, I940V.
Identifiers: ClinVar variation 3674194 (VCV003674194.2).

ClinVar aggregate classification (germline): Uncertain significance (1 of 4 stars; one submission).

Conditions:
Hypertrophic cardiomyopathy. Also called: HYPERTROPHIC MYOCARDIOPATHY. Identifiers: Orphanet 217569, MedGen C0007194, MeSH D002312, MONDO:0005045, HP:0001639.

Submission:

Labcorp Genetics (formerly Invitae), Labcorp
Classification: Uncertain significance for Hypertrophic cardiomyopathy. Last evaluated: 2024-10-07. Review status: criteria provided, single submitter. Criteria: Invitae Variant Classification Sherloc (09022015). Collection method: clinical testing. Allele origin: germline.
Comment: This sequence change replaces isoleucine, which is neutral and non-polar, with valine, which is neutral and non-polar, at codon 940 of the MYOM1 protein (p.Ile940Val). This variant is present in population databases (rs565145466, gnomAD 0.006%). This variant has not been reported in the literature in individuals affected with MYOM1-related conditions. Invitae Evidence Modeling of protein sequence and biophysical properties (such as structural, functional, and spatial information, amino acid conservation, physicochemical variation, residue mobility, and thermodynamic stability) has been performed for this missense variant. However, the output from this modeling did not meet the statistical confidence thresholds required to predict the impact of this variant on MYOM1 protein function. In summary, the available evidence is currently insufficient to determine the role of this variant in disease. Therefore, it has been classified as a Variant of Uncertain Significance.